The following is an entry in ClinVar:

NM_001448.3(GPC4):c.1532T>C (p.Phe511Ser)

Gene: GPC4 (glypican 4; minus strand). Cytogenetic location: Xq26.2.
Variant type: single nucleotide variant.
Coding change: c.1532T>C on transcript NM_001448.3 (MANE Select); coding-DNA position 1532, T replaced by C.
Protein change: p.Phe511Ser; replaces phenylalanine 511 with serine.
Molecular consequence: missense variant.
Genome position (GRCh38, 1-based): chrX:133,303,006, A>G on the plus strand (T>C on the coding strand, the complement: GPC4 is on the minus strand). VCF-style: chrX-133303006-A-G. GRCh37 (hg19) VCF-style: chrX-132437034-A-G.
Other names: short protein forms F511S.
Identifiers: ClinVar variation 5017437 (VCV005017437.1).

ClinVar aggregate classification (germline): Uncertain significance (1 of 4 stars; one submission).

gnomAD v4.1: 4 of 1,211,474 alleles (0.00033%); highest among the groups gnomAD compares: Non-Finnish European, 0.00045%; no homozygotes.

Submission:

GeneDx
Classification: Uncertain significance. Last evaluated: 2026-03-27. Review status: criteria provided, single submitter. Criteria: GeneDx Variant Classification Process June 2021. Collection method: clinical testing. Allele origin: germline.
Comment: Not observed at significant frequency in large population cohorts (gnomAD); In silico analysis suggests that this missense variant does not alter protein structure/function; Has not been previously published as pathogenic or benign to our knowledge